The following is an entry in ClinVar:

NM_001206927.2(DNAH8):c.3215G>T (p.Arg1072Leu)

Gene: DNAH8 (dynein axonemal heavy chain 8; plus strand). Cytogenetic location: 6p21.2.
Variant type: single nucleotide variant.
Coding change: c.3215G>T on transcript NM_001206927.2 (MANE Select); coding-DNA position 3215, G replaced by T.
Protein change: p.Arg1072Leu; replaces arginine 1072 with leucine.
Molecular consequence: missense variant.
Genome position (GRCh38, 1-based): chr6:38,807,674, G>T. VCF-style: chr6-38807674-G-T. GRCh37 (hg19) VCF-style: chr6-38775450-G-T.
Other names: c.2564G>T, p.Arg855Leu (NM_001371.4); short protein forms R1072L, R855L.
Identifiers: ClinVar variation 1062445 (VCV001062445.6), dbSNP rs201654193, ClinGen allele CA3788760.

ClinVar aggregate classification (germline): Uncertain significance (1 of 4 stars; one submission).

Conditions:
Primary ciliary dyskinesia. Also called: Ciliary dyskinesia. Identifiers: Orphanet 244, MedGen C0008780, MONDO:0016575, HP:0012265.

gnomAD v4.1: 7 of 1,563,948 alleles (0.00045%); highest among the groups gnomAD compares: Non-Finnish European, 0.0006%; no homozygotes.

Submission:

Labcorp Genetics (formerly Invitae), Labcorp
Classification: Uncertain significance for Primary ciliary dyskinesia. Last evaluated: 2024-10-23. Review status: criteria provided, single submitter. Criteria: Invitae Variant Classification Sherloc (09022015). Collection method: clinical testing. Allele origin: germline.
Comment: This sequence change replaces arginine, which is basic and polar, with leucine, which is neutral and non-polar, at codon 1072 of the DNAH8 protein (p.Arg1072Leu). The frequency data for this variant in the population databases is considered unreliable, as metrics indicate poor data quality at this position in the gnomAD database. This variant has not been reported in the literature in individuals affected with DNAH8-related conditions. ClinVar contains an entry for this variant (Variation ID: 1062445). Experimental studies and prediction algorithms are not available or were not evaluated, and the functional significance of this variant is currently unknown. In summary, the available evidence is currently insufficient to determine the role of this variant in disease. Therefore, it has been classified as a Variant of Uncertain Significance.